The following is an entry in ClinVar:

NM_001080466.2(BTBD17):c.885G>C (p.Ala295=)

Gene: BTBD17 (BTB domain containing 17; minus strand). Cytogenetic location: 17q25.1.
Variant type: single nucleotide variant.
Coding change: c.885G>C on transcript NM_001080466.2 (MANE Select); coding-DNA position 885, G replaced by C.
Protein change: p.Ala295=; no amino-acid change (alanine 295 retained).
Molecular consequence: synonymous variant.
Genome position (GRCh38, 1-based): chr17:74,357,209, C>G on the plus strand (G>C on the coding strand, the complement: BTBD17 is on the minus strand). VCF-style: chr17-74357209-C-G. GRCh37 (hg19) VCF-style: chr17-72353348-C-G.
Identifiers: ClinVar variation 2648215 (VCV002648215.24), dbSNP rs368697014, ClinGen allele CA502030063.

ClinVar aggregate classification (germline): Likely benign (1 of 4 stars; one submission).

gnomAD v4.1: 1 of 1,573,002 alleles (0.000064%); highest among the groups gnomAD compares: Non-Finnish European, 0.000086%; no homozygotes.

Submission:

CeGaT Center for Human Genetics Tuebingen
Classification: Likely benign. Last evaluated: 2026-08-01. Review status: criteria provided, single submitter. Criteria: CeGaT Center For Human Genetics Tuebingen Variant Classification Criteria Version 2. Collection method: clinical testing. Allele origin: germline. Affected: yes. Observed: 5 variant alleles.
Comment: BTBD17: BP4, BP7